The following is an entry in ClinVar:

NM_014363.6(SACS):c.7319A>G (p.Lys2440Arg)

Gene: SACS (sacsin molecular chaperone; minus strand). Cytogenetic location: 13q12.12.
Variant type: single nucleotide variant.
Coding change: c.7319A>G on transcript NM_014363.6 (MANE Select); coding-DNA position 7319, A replaced by G.
Protein change: p.Lys2440Arg; replaces lysine 2440 with arginine.
Molecular consequence: missense variant.
Genome position (GRCh38, 1-based): chr13:23,336,557, T>C on the plus strand (A>G on the coding strand, the complement: SACS is on the minus strand). VCF-style: chr13-23336557-T-C. GRCh37 (hg19) VCF-style: chr13-23910696-T-C.
Other names: c.6878A>G, p.Lys2293Arg (NM_001278055.2); short protein forms K2293R, K2440R.
Identifiers: ClinVar variation 2190820 (VCV002190820.4), dbSNP rs2542235681, ClinGen allele CA387519558.

ClinVar aggregate classification (germline): Uncertain significance (1 of 4 stars; one submission).

Conditions:
Spastic paraplegia. Identifiers: MedGen C0037772, HP:0001258.

Submission:

Labcorp Genetics (formerly Invitae), Labcorp
Classification: Uncertain significance for Spastic paraplegia. Last evaluated: 2024-10-08. Review status: criteria provided, single submitter. Criteria: Invitae Variant Classification Sherloc (09022015). Collection method: clinical testing. Allele origin: germline.
Comment: This sequence change replaces lysine, which is basic and polar, with arginine, which is basic and polar, at codon 2440 of the SACS protein (p.Lys2440Arg). This variant is not present in population databases (gnomAD no frequency). This variant has not been reported in the literature in individuals affected with SACS-related conditions. ClinVar contains an entry for this variant (Variation ID: 2190820). Invitae Evidence Modeling of protein sequence and biophysical properties (such as structural, functional, and spatial information, amino acid conservation, physicochemical variation, residue mobility, and thermodynamic stability) indicates that this missense variant is not expected to disrupt SACS protein function with a negative predictive value of 95%. In summary, the available evidence is currently insufficient to determine the role of this variant in disease. Therefore, it has been classified as a Variant of Uncertain Significance.